The following is an entry in ClinVar:

ClinVar aggregate classification (germline): Uncertain significance (1 of 4 stars; one submission).

Submission:

GeneDx
Classification: Uncertain significance. Last evaluated: 2021-12-08. Review status: criteria provided, single submitter. Criteria: GeneDx Variant Classification Process June 2021. Collection method: clinical testing. Allele origin: germline. Affected: yes.
Comment: Not observed at significant frequency in large population cohorts (gnomAD); In silico analysis supports that this missense variant has a deleterious effect on protein structure/function; Has not been previously published as pathogenic or benign to our knowledge

NM_052867.4(NALCN):c.2774T>G (p.Phe925Cys)

Gene: NALCN (sodium leak channel, non-selective; minus strand). Cytogenetic location: 13q33.1.
Variant type: single nucleotide variant.
Coding change: c.2774T>G on transcript NM_052867.4 (MANE Select); coding-DNA position 2774, T replaced by G.
Protein change: p.Phe925Cys; replaces phenylalanine 925 with cysteine.
Molecular consequence: missense variant.
Genome position (GRCh38, 1-based): chr13:101,104,410, A>C on the plus strand (T>G on the coding strand, the complement: NALCN is on the minus strand). VCF-style: chr13-101104410-A-C. GRCh37 (hg19) VCF-style: chr13-101756761-A-C.
Other names: c.2861T>G, p.Phe954Cys (NM_001350748.2); c.2774T>G, p.Phe925Cys (NM_001350749.2); c.2687T>G, p.Phe896Cys (NM_001350750.2, NM_001350751.2); short protein forms F896C, F925C, F954C.
Identifiers: ClinVar variation 1691670 (VCV001691670.3), dbSNP rs2139614951, ClinGen allele CA388669745.